The following is an entry in ClinVar:

ClinVar aggregate classification (germline): Pathogenic (1 of 4 stars; one submission).

Conditions:
Familial thoracic aortic aneurysm and aortic dissection (TAAD). Also called: Thoracic aortic aneurysms and dissections. Identifiers: Orphanet 91387, MedGen C4707243, MONDO:0019625.
Marfan syndrome (MFS). Also called: MARFAN SYNDROME, TYPE I; Marfan syndrome type 1; Marfan's syndrome; Marfan syndrome, classic; FBN1-Related Marfan Syndrome. Identifiers: Orphanet 284963, Orphanet 558, MedGen C0024796, MONDO:0007947, OMIM 154700.

Submission:

Labcorp Genetics (formerly Invitae), Labcorp
Classification: Pathogenic for Marfan syndrome; Familial thoracic aortic aneurysm and aortic dissection. Last evaluated: 2022-09-25. Review status: criteria provided, single submitter. Criteria: Invitae Variant Classification Sherloc (09022015). Collection method: clinical testing. Allele origin: germline.
Comment: Algorithms developed to predict the effect of sequence changes on RNA splicing suggest that this variant may disrupt the consensus splice site. For these reasons, this variant has been classified as Pathogenic. This sequence change affects a donor splice site in intron 12 of the FBN1 gene. It is expected to disrupt RNA splicing. Variants that disrupt the donor or acceptor splice site typically lead to a loss of protein function (PMID: 16199547), and loss-of-function variants in FBN1 are known to be pathogenic (PMID: 17657824, 19293843). This variant is not present in population databases (gnomAD no frequency). Disruption of this splice site has been observed in individuals with FBN1-related conditions (PMID: 24161884, 25652356; Invitae).

Literature cited by the submitters: PubMed 16199547; PubMed 17657824; PubMed 19293843; PubMed 24161884; PubMed 25652356.

NM_000138.5(FBN1):c.1468+1G>T

Gene: FBN1 (fibrillin 1; minus strand). Cytogenetic location: 15q21.1.
Variant type: single nucleotide variant.
Coding change: c.1468+1G>T on transcript NM_000138.5 (MANE Select); the canonical splice donor site of the intron after coding-DNA position 1468, G replaced by T.
Molecular consequence: splice donor variant.
Genome position (GRCh38, 1-based): chr15:48,515,386, C>A on the plus strand (G>T on the coding strand, the complement: FBN1 is on the minus strand). VCF-style: chr15-48515386-C-A. GRCh37 (hg19) VCF-style: chr15-48807583-C-A.
Other names: c.1468+1G>T (NM_001406716.1).
Identifiers: ClinVar variation 2043511 (VCV002043511.4), dbSNP rs2141329822, ClinGen allele CA392343523.